The following is an entry in ClinVar:

NM_001353345.2(SETD1B):c.3017C>A (p.Pro1006His)

Gene: SETD1B (SET domain containing 1B, histone lysine methyltransferase; plus strand). Cytogenetic location: 12q24.31.
Variant type: single nucleotide variant.
Coding change: c.3017C>A on transcript NM_001353345.2 (MANE Select); coding-DNA position 3017, C replaced by A.
Protein change: p.Pro1006His; replaces proline 1006 with histidine.
Molecular consequence: missense variant.
Genome position (GRCh38, 1-based): chr12:121,817,409, C>A. VCF-style: chr12-121817409-C-A. GRCh37 (hg19) VCF-style: chr12-122255315-C-A.
Other names: NM_015048.1:c.3017C>A; c.3017C>A (NM_001353345.1); short protein forms P1006H.
Identifiers: ClinVar variation 2115050 (VCV002115050.8), dbSNP rs1205739090, ClinGen allele CA386995949.

ClinVar aggregate classification (germline): Uncertain significance. Review status: criteria provided, multiple submitters, no conflicts (2 of 4 stars). 3 submissions from 3 submitters: Uncertain significance (3). Last evaluated 2022-03-20.

Conditions:
Intellectual developmental disorder with seizures and language delay (IDDSELD). Identifiers: MedGen C5436574, MONDO:0033559, OMIM 619000.
Inborn genetic diseases. Identifiers: MedGen C0950123, MeSH D030342.

gnomAD v4.1: 7 of 1,534,622 alleles (0.00046%); highest among the groups gnomAD compares: Admixed American, 0.002%; no homozygotes.

Submissions (3):

Labcorp Genetics (formerly Invitae), Labcorp
Classification: Uncertain significance. Last evaluated: 2022-03-20. Review status: criteria provided, single submitter. Criteria: Invitae Variant Classification Sherloc (09022015). Collection method: clinical testing. Allele origin: germline.
Comment: This variant has not been reported in the literature in individuals affected with SETD1B-related conditions. This sequence change replaces proline, which is neutral and non-polar, with histidine, which is basic and polar, at codon 1006 of the SETD1B protein (p.Pro1006His). The frequency data for this variant in the population databases is considered unreliable, as metrics indicate poor data quality at this position in the gnomAD database. Algorithms developed to predict the effect of missense changes on protein structure and function are either unavailable or do not agree on the potential impact of this missense change (SIFT: "Deleterious"; PolyPhen-2: "Not Available"; Align-GVGD: "Class C0"). In summary, the available evidence is currently insufficient to determine the role of this variant in disease. Therefore, it has been classified as a Variant of Uncertain Significance.

Revvity Omics, Revvity
Classification: Uncertain significance for Intellectual developmental disorder with seizures and language delay. Last evaluated: 2022-02-14. Review status: criteria provided, single submitter. Criteria: ACMG Guidelines, 2015. Collection method: clinical testing. Allele origin: germline.

Ambry Genetics
Classification: Uncertain significance for Inborn genetic diseases. Last evaluated: 2021-10-12. Review status: criteria provided, single submitter. Criteria: Ambry Variant Classification Scheme 2023. Collection method: clinical testing. Allele origin: germline.